The following is an entry in ClinVar:

ClinVar aggregate classification (germline): Uncertain significance (1 of 4 stars; one submission).

Allele frequency attached by ClinVar (database versions not stated): gnomAD 0.00001; TOPMed 0.00001; ExAC 0.00002; 1000 Genomes Project 0.00040; 1000 Genomes Project 30x 0.00062.

Submission:

Labcorp Genetics (formerly Invitae), Labcorp
Classification: Uncertain significance. Last evaluated: 2023-10-11. Review status: criteria provided, single submitter. Criteria: Invitae Variant Classification Sherloc (09022015). Collection method: clinical testing. Allele origin: germline.
Comment: This sequence change replaces leucine, which is neutral and non-polar, with isoleucine, which is neutral and non-polar, at codon 5082 of the USH2A protein (p.Leu5082Ile). This variant is present in population databases (rs539722745, gnomAD 0.006%). This variant has not been reported in the literature in individuals affected with USH2A-related conditions. Advanced modeling of protein sequence and biophysical properties (such as structural, functional, and spatial information, amino acid conservation, physicochemical variation, residue mobility, and thermodynamic stability) performed at Invitae indicates that this missense variant is not expected to disrupt USH2A protein function. In summary, the available evidence is currently insufficient to determine the role of this variant in disease. Therefore, it has been classified as a Variant of Uncertain Significance.

NM_206933.4(USH2A):c.15244C>A (p.Leu5082Ile)

Gene: USH2A (usherin; minus strand). Cytogenetic location: 1q41.
Variant type: single nucleotide variant.
Coding change: c.15244C>A on transcript NM_206933.4 (MANE Select); coding-DNA position 15244, C replaced by A.
Protein change: p.Leu5082Ile; replaces leucine 5082 with isoleucine.
Molecular consequence: missense variant.
Genome position (GRCh38, 1-based): chr1:215,634,512, G>T on the plus strand (C>A on the coding strand, the complement: USH2A is on the minus strand). VCF-style: chr1-215634512-G-T. GRCh37 (hg19) VCF-style: chr1-215807854-G-T.
Other names: short protein forms L5082I.
Identifiers: ClinVar variation 2783236 (VCV002783236.2), dbSNP rs539722745, ClinGen allele CA1392763.